The following is an entry in ClinVar:

ClinVar aggregate classification (germline): Likely pathogenic (1 of 4 stars; one submission).

Submission:

MVZ Dr. Eberhard & Partner Dortmund
Classification: Likely pathogenic. Last evaluated: 2021-01-19. Review status: criteria provided, single submitter. Criteria: ACMG Guidelines, 2015. Collection method: clinical testing. Allele origin: unknown. Observed: 1 heterozygote.
Comment: The deletion of 1 basepair in exon 39 creates a frame shift starting at codon Leu1754. The new reading frame ends in a stop codon at position 4 (p.Leu1754Trpfs*4). Therefore the mutation is a null variant in a gene where loss of function is a known mechanism of diesease. This variant is absent from controls in Exome Sequencing Project, 1000 Genomes Project and Exome Aggregation Consortium.

NM_000037.4(ANK1):c.5260del (p.Leu1754fs)

Gene: ANK1 (ankyrin 1; minus strand). Cytogenetic location: 8p11.21.
Variant type: Deletion.
Coding change: c.5260del on transcript NM_000037.4 (MANE Select); coding-DNA position 5260, one base deleted (C; older notation c.5260delC).
Protein change: p.Leu1754fs; shifts the reading frame from leucine 1754.
Molecular consequence: frameshift variant.
Genome position (GRCh38, 1-based): chr8:41,668,401, G deleted on the plus strand (C on the coding strand, the reverse complement: ANK1 is on the minus strand); the first of 2 consecutive G bases (chr8:41,668,401-41,668,402); deleting either gives the same sequence. VCF-style (leftmost placement, unchanged base first): chr8-41668400-AG-A. GRCh37 (hg19) VCF-style: chr8-41525918-AG-A.
Other names: c.5383del, p.Leu1795fs (NM_001142446.2); c.5260del, p.Leu1754fs (NM_020475.3, NM_020476.3); c.4774del, p.Leu1592fs (NM_020477.3); short protein forms L1592fs, L1754fs, L1795fs.
Identifiers: ClinVar variation 996353 (VCV000996353.2), dbSNP rs1811228521, ClinGen allele CA1779071154.